The following is an entry in ClinVar:

NM_000719.7(CACNA1C):c.2512C>T (p.Pro838Ser)

Gene: CACNA1C (calcium voltage-gated channel subunit alpha1 C; plus strand). Cytogenetic location: 12p13.33.
Variant type: single nucleotide variant.
Coding change: c.2512C>T on transcript NM_000719.7 (MANE Select); coding-DNA position 2512, C replaced by T.
Protein change: p.Pro838Ser; replaces proline 838 with serine.
Molecular consequence: missense variant.
Genome position (GRCh38, 1-based): chr12:2,585,886, C>T. VCF-style: chr12-2585886-C-T. GRCh37 (hg19) VCF-style: chr12-2695052-C-T.
Other names: c.2512C>T, p.Pro838Ser (NM_001129827.2, NM_001129829.2, NM_001129830.3 and 18 more transcripts); c.2503C>T, p.Pro835Ser (NM_001129844.2); short protein forms P835S, P838S.
Identifiers: ClinVar variation 1792416 (VCV001792416.5), dbSNP rs2062230533, ClinGen allele CA383372005.

ClinVar aggregate classification (germline): Uncertain significance. Review status: criteria provided, multiple submitters, no conflicts (2 of 4 stars). 2 submissions from 2 submitters: Uncertain significance (2). Last evaluated 2024-12-09.

Conditions:
Cardiovascular phenotype. Identifiers: MedGen CN230736.
Long QT syndrome (LQTS). Identifiers: MedGen C0023976, MeSH D008133, MONDO:0002442. Disease mechanism: loss of function. Inheritance: Various modes of inheritance.

Allele frequency attached by ClinVar (database versions not stated): gnomAD exomes below 0.00001; TOPMed below 0.00001.
gnomAD v4.1: 4 of 1,602,532 alleles (0.00025%); highest among the groups gnomAD compares: East Asian, 0.0022%; no homozygotes.

Submissions (2):

Labcorp Genetics (formerly Invitae), Labcorp
Classification: Uncertain significance for Long QT syndrome. Last evaluated: 2024-12-09. Review status: criteria provided, single submitter. Criteria: Invitae Variant Classification Sherloc (09022015). Collection method: clinical testing. Allele origin: germline.
Comment: This sequence change replaces proline, which is neutral and non-polar, with serine, which is neutral and polar, at codon 838 of the CACNA1C protein (p.Pro838Ser). This variant is not present in population databases (gnomAD no frequency). This variant has not been reported in the literature in individuals affected with CACNA1C-related conditions. ClinVar contains an entry for this variant (Variation ID: 1792416). Invitae Evidence Modeling of protein sequence and biophysical properties (such as structural, functional, and spatial information, amino acid conservation, physicochemical variation, residue mobility, and thermodynamic stability) indicates that this missense variant is not expected to disrupt CACNA1C protein function with a negative predictive value of 95%. In summary, the available evidence is currently insufficient to determine the role of this variant in disease. Therefore, it has been classified as a Variant of Uncertain Significance.

Ambry Genetics
Classification: Uncertain significance for Cardiovascular phenotype. Last evaluated: 2019-06-19. Review status: criteria provided, single submitter. Criteria: Ambry Variant Classification Scheme 2023. Collection method: clinical testing. Allele origin: germline.
Comment: The p.P838S variant (also known as c.2512C>T), located in coding exon 18 of the CACNA1C gene, results from a C to T substitution at nucleotide position 2512. The proline at codon 838 is replaced by serine, an amino acid with similar properties. This amino acid position is not well conserved in available vertebrate species, and serine is the reference amino acid in other vertebrate species. In addition, this alteration is predicted to be tolerated by in silico analysis. Since supporting evidence is limited at this time, the clinical significance of this alteration remains unclear.